The following is an entry in ClinVar:

ClinVar aggregate classification (germline): Pathogenic (1 of 4 stars; one submission).

gnomAD v4.1: 4 of 1,614,132 alleles (0.00025%); highest among the groups gnomAD compares: South Asian, 0.0044%; no homozygotes.

Submission:

Labcorp Genetics (formerly Invitae), Labcorp
Classification: Pathogenic. Last evaluated: 2024-11-24. Review status: criteria provided, single submitter. Criteria: Invitae Variant Classification Sherloc (09022015). Collection method: clinical testing. Allele origin: germline.
Comment: This sequence change creates a premature translational stop signal (p.Ser220*) in the MSH3 gene. It is expected to result in an absent or disrupted protein product. Loss-of-function variants in MSH3 are known to be pathogenic (PMID: 27476653, 37402566). This variant is present in population databases (rs768842380, gnomAD 0.006%). This variant has not been reported in the literature in individuals affected with MSH3-related conditions. For these reasons, this variant has been classified as Pathogenic.

Literature cited by the submitters: PubMed 27476653; PubMed 37402566.

NM_002439.5(MSH3):c.659C>G (p.Ser220Ter)

Gene: MSH3 (mutS homolog 3; plus strand). Cytogenetic location: 5q14.1.
Variant type: single nucleotide variant.
Coding change: c.659C>G on transcript NM_002439.5 (MANE Select); coding-DNA position 659, C replaced by G.
Protein change: p.Ser220Ter; replaces serine 220 with a stop codon.
Molecular consequence: nonsense.
Genome position (GRCh38, 1-based): chr5:80,670,176, C>G. VCF-style: chr5-80670176-C-G. GRCh37 (hg19) VCF-style: chr5-79965995-C-G.
Other names: short protein forms S220*.
Identifiers: ClinVar variation 3623039 (VCV003623039.2).
Genomic context (GRCh38, chr5:80,670,176, plus strand): 5'-TCAGTCAGTTTGGATCATCAAATACAAGTCATGAAAATTTACAGAAAACTGCTTCCAAAT[C>G]AGCTAACAAACGGTCCAAAAGCATCTATACGCCGCTAGAATTACAATACATAGAAATGAA-3'